The following is an entry in ClinVar:

NM_000138.5(FBN1):c.1639A>G (p.Ile547Val)

Gene: FBN1 (fibrillin 1; minus strand). Cytogenetic location: 15q21.1.
Variant type: single nucleotide variant.
Coding change: c.1639A>G on transcript NM_000138.5 (MANE Select); coding-DNA position 1639, A replaced by G.
Protein change: p.Ile547Val; replaces isoleucine 547 with valine.
Molecular consequence: missense variant.
Genome position (GRCh38, 1-based): chr15:48,510,119, T>C on the plus strand (A>G on the coding strand, the complement: FBN1 is on the minus strand). VCF-style: chr15-48510119-T-C. GRCh37 (hg19) VCF-style: chr15-48802316-T-C.
Other names: short protein forms I547V.
Identifiers: ClinVar variation 519778 (VCV000519778.21), dbSNP rs759813328, ClinGen allele CA045360.

ClinVar aggregate classification (germline): Conflicting classifications of pathogenicity. Review status: criteria provided, conflicting classifications (1 of 4 stars). 5 submissions from 5 submitters: Uncertain significance (3); Likely benign (2). Last evaluated 2025-10-22.

Conditions:
MASS syndrome (OCTD). Also called: OVERLAP CONNECTIVE TISSUE DISEASE; MASS PHENOTYPE. Identifiers: MedGen C1858556, MONDO:0011431, OMIM 604308.
Progeroid and marfanoid aspect-lipodystrophy syndrome. Also called: MARFANOID-PROGEROID SYNDROME; MARFAN-PROGEROID-LIPODYSTROPHY SYNDROME; Marfan lipodystrophy syndrome; MARFANOID-PROGEROID-LIPODYSTROPHY SYNDROME. Identifiers: Orphanet 300382, MedGen C4310796, MONDO:0014831, OMIM 616914.
Ectopia lentis 1, isolated, autosomal dominant (ECTOL1). Identifiers: Orphanet 1885, MedGen C3541518, MONDO:0007514, OMIM 129600.
Weill-Marchesani syndrome 2, dominant. Also called: Weill-Marchesani Syndrome, Autosomal Dominant; FBN1-Related Weill-Marchesani Syndrome. Identifiers: Orphanet 2084, MedGen C1869115, MONDO:0012013, OMIM 608328.
Acromicric dysplasia (ACMICD). Also called: Acromicric skeletal dysplasia. Identifiers: Orphanet 969, MedGen C0265287, MONDO:0007055, OMIM 102370.
Geleophysic dysplasia 2 (GPHYSD2). Identifiers: Orphanet 2623, MedGen C3280054, MONDO:0013612, OMIM 614185.
Stiff skin syndrome (SSKS). Identifiers: Orphanet 2833, MedGen C1861456, MONDO:0008492, OMIM 184900.
Marfan syndrome (MFS). Also called: Marfan syndrome type 1; Marfan syndrome, classic; Marfan's syndrome; FBN1-Related Marfan Syndrome; MARFAN SYNDROME, TYPE I. Identifiers: Orphanet 284963, Orphanet 558, MedGen C0024796, MONDO:0007947, OMIM 154700.
Familial thoracic aortic aneurysm and aortic dissection (TAAD). Also called: Thoracic aortic aneurysms and dissections. Identifiers: Orphanet 91387, MedGen C4707243, MONDO:0019625.

Allele frequency attached by ClinVar (database versions not stated): ExAC 0.00001; TOPMed 0.00001; gnomAD exomes 0.00001.

Submissions (5):

Labcorp Genetics (formerly Invitae), Labcorp
Classification: Likely benign for Marfan syndrome; Familial thoracic aortic aneurysm and aortic dissection. Last evaluated: 2025-10-22. Review status: criteria provided, single submitter. Criteria: Invitae Variant Classification Sherloc (09022015). Collection method: clinical testing. Allele origin: germline.

Color Diagnostics, LLC DBA Color Health
Classification: Likely benign for Familial thoracic aortic aneurysm and aortic dissection. Last evaluated: 2025-01-21. Review status: criteria provided, single submitter. Criteria: ACMG Guidelines, 2015. Collection method: clinical testing. Allele origin: germline.

Fulgent Genetics
Classification: Uncertain significance for Acromicric dysplasia; Ectopia lentis 1, isolated, autosomal dominant; Marfan syndrome; Stiff skin syndrome; MASS syndrome; Weill-Marchesani syndrome 2, dominant; Geleophysic dysplasia 2; Progeroid and marfanoid aspect-lipodystrophy syndrome. Last evaluated: 2024-05-13. Review status: criteria provided, single submitter. Criteria: ACMG Guidelines, 2015. Collection method: clinical testing. Allele origin: germline.

All of Us Research Program, National Institutes of Health
Classification: Uncertain significance for Marfan syndrome. Last evaluated: 2023-08-14. Review status: criteria provided, single submitter. Criteria: ACMG Guidelines, 2015. Collection method: clinical testing. Allele origin: germline. Inheritance: Autosomal dominant inheritance. Observed: 2 variant alleles, 2 heterozygotes.
Comment: This missense variant replaces isoleucine with valine at codon 547 of the FBN1 protein. Computational prediction tools and conservation analyses are inconclusive regarding the impact of this variant on the protein function. Computational splicing tools suggest that this variant may not impact RNA splicing. To our knowledge, functional assays have not been performed for this variant nor has this variant been reported in individuals affected with cardiovascular disorders in the literature. This variant has been identified in 2/251276 chromosomes in the general population by the Genome Aggregation Database (gnomAD). Available evidence is insufficient to determine the role of this variant in disease conclusively. Therefore, this variant is classified as a Variant of Uncertain Significance.

This study involves interpretation of variants in research participants for the purpose of population health screening. Participant phenotype was not available at the time of variant classification. Additional details can be found in publication PMID: 35346344, PMCID: PMC8962531

Ambry Genetics
Classification: Uncertain significance for Familial thoracic aortic aneurysm and aortic dissection. Last evaluated: 2017-06-05. Review status: criteria provided, single submitter. Criteria: Ambry Variant Classification Scheme 2023. Collection method: clinical testing. Allele origin: germline.
Comment: The p.I547V variant (also known as c.1639A>G), located in coding exon 13 of the FBN1 gene, results from an A to G substitution at nucleotide position 1639. The isoleucine at codon 547 is replaced by valine, an amino acid with highly similar properties, and is located in the cbEGF-like #4 domain. This amino acid position is not well conserved in available vertebrate species, and valine is the reference amino acid in other vertebrate species. In addition, this alteration is predicted to be tolerated by in silico analysis. Since supporting evidence is limited at this time, the clinical significance of this alteration remains unclear.